The following is an entry in ClinVar:

NM_001171.6(ABCC6):c.3507-1G>A

Gene: ABCC6 (ATP binding cassette subfamily C member 6; minus strand). Cytogenetic location: 16p13.11.
Variant type: single nucleotide variant.
Coding change: c.3507-1G>A on transcript NM_001171.6 (MANE Select); the canonical splice acceptor site of the intron before coding-DNA position 3507, G replaced by A.
Molecular consequence: splice acceptor variant.
Genome position (GRCh38, 1-based): chr16:16,161,565, C>T on the plus strand (G>A on the coding strand, the complement: ABCC6 is on the minus strand). VCF-style: chr16-16161565-C-T. GRCh37 (hg19) VCF-style: chr16-16255422-C-T.
Other names: c.3165-1G>A (NM_001351800.1).
Identifiers: ClinVar variation 433401 (VCV000433401.17), dbSNP rs72664210, ClinGen allele CA7925541.

ClinVar aggregate classification (germline): Pathogenic. Review status: criteria provided, multiple submitters, no conflicts (2 of 4 stars). 6 submissions from 6 submitters: Pathogenic (4). 2 of the submissions do not count toward it. Last evaluated 2025-06-24.

Conditions:
Arterial calcification, generalized, of infancy, 2. Identifiers: Orphanet 51608, MedGen C3276161, MONDO:0013768, OMIM 614473.
Autosomal recessive inherited pseudoxanthoma elasticum (PXE). Identifiers: Orphanet 758, MedGen CN032334, MONDO:0009925, OMIM 264800.
Pseudoxanthoma elasticum, forme fruste. Also called: Pseudoxanthoma Elasticum, Incomplete; PSEUDOXANTHOMA ELASTICUM, HETEROZYGOUS. Identifiers: Orphanet 758, MedGen C1867450, MONDO:0008333, OMIM 177850.
ABCC6-related disorder. Also called: ABCC6-related condition.

Allele frequency attached by ClinVar (database versions not stated): gnomAD 0.00001; gnomAD exomes 0.00001; ExAC 0.00002; TOPMed 0.00002.
gnomAD v4.1: 10 of 1,613,788 alleles (0.00062%); highest among the groups gnomAD compares: Admixed American, 0.017%; no homozygotes.

Submissions (6):

Labcorp Genetics (formerly Invitae), Labcorp
Classification: Pathogenic. Last evaluated: 2025-06-24. Review status: criteria provided, single submitter. Criteria: Invitae Variant Classification Sherloc (09022015). Collection method: clinical testing. Allele origin: germline.
Comment: This sequence change affects an acceptor splice site in intron 24 of the ABCC6 gene. It is expected to disrupt RNA splicing. Variants that disrupt the donor or acceptor splice site typically lead to a loss of protein function (PMID: 16199547), and loss-of-function variants in ABCC6 are known to be pathogenic (PMID: 11536079, 17617515). This variant is present in population databases (rs72664210, gnomAD 0.01%). Disruption of this splice site has been observed in individuals with pseudoxanthoma elasticum (PMID: 16086317, 30229859). ClinVar contains an entry for this variant (Variation ID: 433401). Algorithms developed to predict the effect of sequence changes on RNA splicing suggest that this variant may disrupt the consensus splice site. For these reasons, this variant has been classified as Pathogenic.

3billion
Classification: Pathogenic for Autosomal recessive inherited pseudoxanthoma elasticum. Last evaluated: 2022-09-01. Review status: criteria provided, single submitter. Criteria: ACMG Guidelines, 2015. Collection method: clinical testing. Allele origin: germline. Affected: yes. Observed: 1 heterozygote.
Comment: The variant is observed at an extremely low frequency in the gnomAD v2.1.1 dataset (total allele frequency: 0.001%). Canonical splice site is predicted to alter splicing and result in a loss or disruption of normal protein function. Multiple pathogenic loss-of-function variants are reported downstream of the variant. The variant has been reported at least twice as pathogenic without evidence for the classification (ClinVar ID: VCV000433401). Therefore, this variant is classified as Pathogenic according to the recommendation of ACMG/AMP guideline.

Fulgent Genetics
Classification: Pathogenic for Pseudoxanthoma elasticum, forme fruste; Autosomal recessive inherited pseudoxanthoma elasticum; Arterial calcification, generalized, of infancy, 2. Last evaluated: 2022-05-22. Review status: criteria provided, single submitter. Criteria: ACMG Guidelines, 2015. Collection method: clinical testing. Allele origin: unknown.

Revvity Omics, Revvity
Classification: Pathogenic. Last evaluated: 2019-05-22. Review status: criteria provided, single submitter. Criteria: ACMG Guidelines, 2015. Collection method: clinical testing. Allele origin: germline.

PreventionGenetics, part of Exact Sciences
Classification: Pathogenic for ABCC6-related condition. Last evaluated: 2024-08-25. Review status: no assertion criteria provided. Collection method: clinical testing. Allele origin: germline. Not counted in ClinVar's aggregate classification.
Comment: The ABCC6 c.3507-1G>A variant is predicted to disrupt the AG splice acceptor site and interfere with normal splicing. This variant has been reported in individuals with Pseudoxanthoma elasticum (Miksch et al 2005. PubMed ID: 16086317). This variant is reported in 0.011% of alleles in individuals of Latino descent in gnomAD. Variants that disrupt the consensus splice acceptor site in ABCC6 are expected to be pathogenic. This variant is interpreted as pathogenic.

PXE International
Classification: Likely pathogenic for Autosomal recessive inherited pseudoxanthoma elasticum. Last evaluated: 2021-03-02. Review status: no assertion criteria provided. Collection method: research. Allele origin: germline. Inheritance: Autosomal recessive inheritance. Affected: yes. Not counted in ClinVar's aggregate classification.

Literature cited by the submitters: PubMed 16199547 (cited by Labcorp Genetics (formerly Invitae), Labcorp); PubMed 11536079 (cited by Labcorp Genetics (formerly Invitae), Labcorp); PubMed 17617515 (cited by Labcorp Genetics (formerly Invitae), Labcorp); PubMed 16086317 (cited by Labcorp Genetics (formerly Invitae), Labcorp and PXE International); PubMed 30229859 (cited by Labcorp Genetics (formerly Invitae), Labcorp).